The following is an entry in ClinVar:

ClinVar aggregate classification (germline): Uncertain significance. Review status: criteria provided, multiple submitters, no conflicts (2 of 4 stars). 2 submissions from 2 submitters: Uncertain significance (2). Last evaluated 2025-02-19.

Conditions:
Intellectual disability, autosomal recessive 53 (NEDHSCA). Also called: NEURODEVELOPMENTAL DISORDER WITH OR WITHOUT HYPOTONIA, SEIZURES, AND CEREBELLAR ATROPHY; GLYCOSYLPHOSPHATIDYLINOSITOL BIOSYNTHESIS DEFECT 13; Mental retardation, autosomal recessive 53. Identifiers: Orphanet 488635, MedGen C4310794, MONDO:0014832, OMIM 616917.
Inborn genetic diseases. Identifiers: MedGen C0950123, MeSH D030342.

Allele frequency attached by ClinVar (database versions not stated): TOPMed below 0.00001; gnomAD exomes 0.00001.
gnomAD v4.1: 3 of 1,614,090 alleles (0.00019%); highest among the groups gnomAD compares: Admixed American, 0.005%; no homozygotes.

Submissions (2):

Ambry Genetics
Classification: Uncertain significance for Inborn genetic diseases. Last evaluated: 2025-02-19. Review status: criteria provided, single submitter. Criteria: Ambry Variant Classification Scheme 2023. Collection method: clinical testing. Allele origin: germline.

Labcorp Genetics (formerly Invitae), Labcorp
Classification: Uncertain significance for Intellectual disability, autosomal recessive 53. Last evaluated: 2024-05-22. Review status: criteria provided, single submitter. Criteria: Invitae Variant Classification Sherloc (09022015). Collection method: clinical testing. Allele origin: germline.
Comment: This sequence change replaces phenylalanine, which is neutral and non-polar, with serine, which is neutral and polar, at codon 350 of the PIGG protein (p.Phe350Ser). This variant is present in population databases (no rsID available, gnomAD 0.006%). This variant has not been reported in the literature in individuals affected with PIGG-related conditions. ClinVar contains an entry for this variant (Variation ID: 1046739). Advanced modeling of protein sequence and biophysical properties (such as structural, functional, and spatial information, amino acid conservation, physicochemical variation, residue mobility, and thermodynamic stability) has been performed at Invitae for this missense variant, however the output from this modeling did not meet the statistical confidence thresholds required to predict the impact of this variant on PIGG protein function. In summary, the available evidence is currently insufficient to determine the role of this variant in disease. Therefore, it has been classified as a Variant of Uncertain Significance.

NM_001127178.3(PIGG):c.1049T>C (p.Phe350Ser)

Gene: PIGG (phosphatidylinositol glycan anchor biosynthesis class G (EMM blood group); plus strand). Cytogenetic location: 4p16.3.
Variant type: single nucleotide variant.
Coding change: c.1049T>C on transcript NM_001127178.3 (MANE Select); coding-DNA position 1049, T replaced by C.
Protein change: p.Phe350Ser; replaces phenylalanine 350 with serine.
Molecular consequence: missense variant. On other transcripts: 5 prime UTR variant (3), non-coding transcript variant (10).
Genome position (GRCh38, 1-based): chr4:516,120, T>C. VCF-style: chr4-516120-T-C. GRCh37 (hg19) VCF-style: chr4-509909-T-C.
Other names: c.782T>C, p.Phe261Ser (NM_001289051.2, NM_001289053.2, NM_001289057.2 and 2 more transcripts); c.650T>C, p.Phe217Ser (NM_001289052.2); c.683T>C, p.Phe228Ser (NM_001289055.2); c.20T>C, p.Phe7Ser (NM_001345988.2); c.1049T>C, p.Phe350Ser (NM_001345989.2, NM_017733.5); c.-577T>C (NM_001345990.2); c.-439T>C (NM_001345991.2); c.-164T>C (NM_001345994.2); and 1 more; short protein forms F217S, F228S, F261S, F350S, F7S.
Identifiers: ClinVar variation 1046739 (VCV001046739.8), dbSNP rs1316106838, ClinGen allele CA355902114.
Genomic context (GRCh38, chr4:516,120, plus strand): 5'-GTGTAGGGAGCCTCCTATTCCCAGTTGTGGAAGGAAGACCAATGAGAGAGCAGTTGAGAT[T>C]TTTACATTTGAATACAGTGCAGCTTAGTAAACTGTTGCAAGAGAATGTGCCGTCATATGA-3'
Protein context (NP_001120650.1, residues 340-360): EGRPMREQLR[Phe350Ser]LHLNTVQLSK